The following is an entry in ClinVar:

ClinVar aggregate classification (germline): Uncertain significance (1 of 4 stars; one submission).

Conditions:
Familial adenomatous polyposis 1 (FAP1). Also called: FAMILIAL ADENOMATOUS POLYPOSIS 1, ATTENUATED; POLYPOSIS, ADENOMATOUS INTESTINAL. Identifiers: MedGen C2713442, MONDO:0021056, OMIM 175100. Disease mechanism: loss of function.

Submission:

Labcorp Genetics (formerly Invitae), Labcorp
Classification: Uncertain significance for Familial adenomatous polyposis 1. Last evaluated: 2022-12-27. Review status: criteria provided, single submitter. Criteria: Invitae Variant Classification Sherloc (09022015). Collection method: clinical testing. Allele origin: germline.
Comment: This variant occurs in a non-coding region of the APC gene. It does not change the encoded amino acid sequence of the APC protein. This variant is not present in population databases (gnomAD no frequency). This variant has not been reported in the literature in individuals affected with APC-related conditions. Experimental studies and prediction algorithms are not available or were not evaluated, and the functional significance of this variant is currently unknown. In summary, the available evidence is currently insufficient to determine the role of this variant in disease. Therefore, it has been classified as a Variant of Uncertain Significance.

NM_001127511.3(APC):c.112A>T (p.Thr38Ser)

Gene: APC (APC regulator of Wnt signaling pathway; plus strand). Cytogenetic location: 5q22.2.
Variant type: single nucleotide variant.
Coding change: c.112A>T on transcript NM_001127511.3; coding-DNA position 112, A replaced by T.
Protein change: p.Thr38Ser; replaces threonine 38 with serine.
Molecular consequence: missense variant. On other transcripts: 5 prime UTR variant (8), non-coding transcript variant (1), intron variant (5).
Genome position (GRCh38, 1-based): chr5:112,707,829, A>T. VCF-style: chr5-112707829-A-T. GRCh37 (hg19) VCF-style: chr5-112043526-A-T.
Other names: c.-72A>T (NM_001354895.2, NM_001407447.1, NM_001407452.1 and 3 more transcripts); c.112A>T, p.Thr38Ser (NM_001354897.2, NM_001354902.2, NM_001407446.1); c.-1107A>T (NM_001407470.1, NM_001407472.1); c.-19+180A>T (NM_001407448.1, NM_001407450.1, NM_001407457.1 and 1 more transcripts); c.-43+180A>T (NM_001407453.1); short protein forms T38S.
Identifiers: ClinVar variation 2823698 (VCV002823698.3), dbSNP rs2149631132, ClinGen allele CA360612011.